The following is an entry in ClinVar:

NC_000011.10:g.(?_64804324)_(64810716_?)del

Gene: MEN1 (menin 1; minus strand). Cytogenetic location: 11q13.1.
Variant type: Deletion.
Identifiers: ClinVar variation 655218 (VCV000655218.2).

ClinVar aggregate classification (germline): Pathogenic (1 of 4 stars; one submission).

Conditions:
Multiple endocrine neoplasia, type 1 (MEN1). Also called: Endocrine adenomatosis multiple; MEN 1; MEN I; WERMER SYNDROME; MEA I. Identifiers: Orphanet 652, MedGen C0025267, MeSH D018761, MONDO:0007540, OMIM 131100.

Submission:

Labcorp Genetics (formerly Invitae), Labcorp
Classification: Pathogenic for Multiple endocrine neoplasia, type 1. Last evaluated: 2019-06-18. Review status: criteria provided, single submitter. Criteria: Invitae Variant Classification Sherloc (09022015). Collection method: clinical testing. Allele origin: germline.
Comment: A gross deletion of the genomic region encompassing the full coding sequence of the MEN1 gene has been identified. The boundaries of this event are unknown as the deletion extends beyond the assayed region for this gene and therefore may encompass additional genes. Similar deletions encompassing the whole MEN1 coding region have been reported in individuals affected with multiple endocrine neoplasia type 1 (PMID: 11836268, 25527055) Loss-of-function variants in MEN1 are known to be pathogenic (PMID: 12112656, 17853334). For these reasons, this variant has been classified as Pathogenic.

Literature cited by the submitters: PubMed 25527055; PubMed 11836268.